The following is an entry in ClinVar:

ClinVar aggregate classification (germline): Uncertain significance (1 of 4 stars; one submission).

Allele frequency attached by ClinVar (database versions not stated): gnomAD exomes below 0.00001.
gnomAD v4.1: 1 of 1,614,188 alleles (0.000062%); highest among the groups gnomAD compares: Non-Finnish European, 0.000085%; no homozygotes.

Submission:

Labcorp Genetics (formerly Invitae), Labcorp
Classification: Uncertain significance. Last evaluated: 2023-05-24. Review status: criteria provided, single submitter. Criteria: Invitae Variant Classification Sherloc (09022015). Collection method: clinical testing. Allele origin: germline.
Comment: This sequence change replaces serine, which is neutral and polar, with cysteine, which is neutral and slightly polar, at codon 131 of the COQ9 protein (p.Ser131Cys). In summary, the available evidence is currently insufficient to determine the role of this variant in disease. Therefore, it has been classified as a Variant of Uncertain Significance. An algorithm developed to predict the effect of missense changes on protein structure and function (PolyPhen-2) suggests that this variant is likely to be disruptive. ClinVar contains an entry for this variant (Variation ID: 1462650). This variant has not been reported in the literature in individuals affected with COQ9-related conditions. This variant is not present in population databases (gnomAD no frequency).

NM_020312.4(COQ9):c.392C>G (p.Ser131Cys)

Gene: COQ9 (coenzyme Q9; plus strand). Cytogenetic location: 16q21.
Variant type: single nucleotide variant.
Coding change: c.392C>G on transcript NM_020312.4 (MANE Select); coding-DNA position 392, C replaced by G.
Protein change: p.Ser131Cys; replaces serine 131 with cysteine.
Molecular consequence: missense variant.
Genome position (GRCh38, 1-based): chr16:57,456,517, C>G. VCF-style: chr16-57456517-C-G. GRCh37 (hg19) VCF-style: chr16-57490429-C-G.
Other names: short protein forms S131C.
Identifiers: ClinVar variation 1462650 (VCV001462650.5), dbSNP rs2146590803, ClinGen allele CA396028097.